The following is an entry in ClinVar:

NM_000235.4(LIPA):c.712G>A (p.Ala238Thr)

Gene: LIPA (lipase A, lysosomal acid type; minus strand). Cytogenetic location: 10q23.31.
Variant type: single nucleotide variant.
Coding change: c.712G>A on transcript NM_000235.4 (MANE Select); coding-DNA position 712, G replaced by A.
Protein change: p.Ala238Thr; replaces alanine 238 with threonine.
Molecular consequence: missense variant.
Genome position (GRCh38, 1-based): chr10:89,223,794, C>T on the plus strand (G>A on the coding strand, the complement: LIPA is on the minus strand). VCF-style: chr10-89223794-C-T. GRCh37 (hg19) VCF-style: chr10-90983551-C-T.
Other names: c.712G>A, p.Ala238Thr (NM_001127605.3); c.364G>A, p.Ala122Thr (NM_001288979.2); short protein forms A238T, A122T.
Identifiers: ClinVar variation 1440759 (VCV001440759.8), dbSNP rs1842732425, ClinGen allele CA377517050.

ClinVar aggregate classification (germline): Uncertain significance (1 of 4 stars; one submission).

Conditions:
Wolman disease (WOLD). Also called: Wolman disease with hypolipoproteinemia and acanthocytosis; Acid cholesteryl ester hydrolase deficiency, Wolman type; Acid lipase disease; LYSOSOMAL ACID LIPASE DEFICIENCY, ACUTE INFANTILE; LYSOSOMAL ACID LIPASE DEFICIENCY, COMPLETE; LIPA DEFICIENCY, COMPLETE. Identifiers: Orphanet 75233, MedGen C0043208, MONDO:0019148, OMIM 620151.

Allele frequency attached by ClinVar (database versions not stated): gnomAD 0.00001.
gnomAD v4.1: 1 of 1,613,966 alleles (0.000062%); highest among the groups gnomAD compares: African/African-American, 0.0013%; no homozygotes.

Submission:

Labcorp Genetics (formerly Invitae), Labcorp
Classification: Uncertain significance for Wolman disease. Last evaluated: 2021-07-06. Review status: criteria provided, single submitter. Criteria: Invitae Variant Classification Sherloc (09022015). Collection method: clinical testing. Allele origin: germline.
Comment: This variant has not been reported in the literature in individuals with LIPA-related conditions. This variant is not present in population databases (ExAC no frequency). This sequence change replaces alanine with threonine at codon 238 of the LIPA protein (p.Ala238Thr). The alanine residue is weakly conserved and there is a small physicochemical difference between alanine and threonine. Algorithms developed to predict the effect of missense changes on protein structure and function output the following: SIFT: "Tolerated"; PolyPhen-2: "Benign"; Align-GVGD: "Class C0". The threonine amino acid residue is found in multiple mammalian species, suggesting that this missense change does not adversely affect protein function. These predictions have not been confirmed by published functional studies and their clinical significance is uncertain. In summary, the available evidence is currently insufficient to determine the role of this variant in disease. Therefore, it has been classified as a Variant of Uncertain Significance.